The following is an entry in ClinVar:

NM_001401501.2(MUC16):c.43440T>C (p.Thr14480=)

Gene: MUC16 (mucin 16, cell surface associated; minus strand). Cytogenetic location: 19p13.2.
Variant type: single nucleotide variant.
Coding change: c.43440T>C on transcript NM_001401501.2 (MANE Select); coding-DNA position 43440, T replaced by C.
Protein change: p.Thr14480=; no amino-acid change (threonine 14480 retained).
Molecular consequence: synonymous variant.
Genome position (GRCh38, 1-based): chr19:8,886,832, A>G on the plus strand (T>C on the coding strand, the complement: MUC16 is on the minus strand). VCF-style: chr19-8886832-A-G. GRCh37 (hg19) VCF-style: chr19-8997508-A-G.
Other names: c.43866T>C, p.Thr14622= (NM_001414686.1); c.43320T>C, p.Thr14440= (NM_001414687.1); c.40914T>C, p.Thr13638= (NM_024690.2).
Identifiers: ClinVar variation 3037838 (VCV003037838.2), dbSNP rs1352232035, ClinGen allele CA505284106.

ClinVar aggregate classification (germline): Likely benign (0 of 4 stars; one submission).

Conditions:
MUC16-related disorder. Also called: MUC16-related condition.

Allele frequency attached by ClinVar (database versions not stated): 1000 Genomes Project 30x 0.01280.

Submission:

PreventionGenetics, part of Exact Sciences
Classification: Likely benign for MUC16-related condition. Last evaluated: 2019-02-20. Review status: no assertion criteria provided. Collection method: clinical testing. Allele origin: germline.
Comment: This variant is classified as likely benign based on ACMG/AMP sequence variant interpretation guidelines (Richards et al. 2015 PMID: 25741868, with internal and published modifications).